The following is an entry in ClinVar:

NM_001164508.2(NEB):c.5023C>T (p.Gln1675Ter)

Gene: NEB (nebulin; minus strand). Cytogenetic location: 2q23.3.
Variant type: single nucleotide variant.
Coding change: c.5023C>T on transcript NM_001164508.2 (MANE Select); coding-DNA position 5023, C replaced by T.
Protein change: p.Gln1675Ter; replaces glutamine 1675 with a stop codon.
Molecular consequence: nonsense.
Genome position (GRCh38, 1-based): chr2:151,666,098, G>A on the plus strand (C>T on the coding strand, the complement: NEB is on the minus strand). VCF-style: chr2-151666098-G-A. GRCh37 (hg19) VCF-style: chr2-152522612-G-A.
Other names: c.5023C>T, p.Gln1675Ter (NM_001164507.2, NM_001271208.2, NM_004543.5); short protein forms Q1675*.
Identifiers: ClinVar variation 2767673 (VCV002767673.3), dbSNP rs2552258164, ClinGen allele CA348812930.

ClinVar aggregate classification (germline): Pathogenic (1 of 4 stars; one submission).

Conditions:
Nemaline myopathy 2 (NEM2). Also called: Nemaline myopathy 2, autosomal recessive. Identifiers: MedGen C1850569, MONDO:0009725, OMIM 256030.

Submission:

Labcorp Genetics (formerly Invitae), Labcorp
Classification: Pathogenic for Nemaline myopathy 2. Last evaluated: 2023-06-04. Review status: criteria provided, single submitter. Criteria: Invitae Variant Classification Sherloc (09022015). Collection method: clinical testing. Allele origin: germline.
Comment: This variant is not present in population databases (gnomAD no frequency). For these reasons, this variant has been classified as Pathogenic. This variant has not been reported in the literature in individuals affected with NEB-related conditions. This sequence change creates a premature translational stop signal (p.Gln1675*) in the NEB gene. It is expected to result in an absent or disrupted protein product. Loss-of-function variants in NEB are known to be pathogenic (PMID: 25205138).

Literature cited by the submitters: PubMed 25205138.